The following is an entry in ClinVar:

ClinVar aggregate classification (germline): Likely pathogenic (1 of 4 stars; one submission).

Conditions:
Catifa syndrome. Also called: CLEFT LIP, CATARACT, TOOTH ABNORMALITY, IMPAIRED INTELLECTUAL DEVELOPMENT, FACIAL DYSMORPHISM, AND ATTENTION-DEFICIT HYPERACTIVITY DISORDER. Identifiers: MedGen C5231492, MONDO:0032901, OMIM 618761.

Allele frequency attached by ClinVar (database versions not stated): gnomAD exomes below 0.00001; TOPMed below 0.00001.
gnomAD v4.1: 5 of 1,614,132 alleles (0.00031%); highest among the groups gnomAD compares: African/African-American, 0.0013%; no homozygotes.

Submission:

Laboratory of Medical Genetics, National & Kapodistrian University of Athens
Classification: Likely pathogenic for Catifa syndrome. Last evaluated: 2022-06-08. Review status: criteria provided, single submitter. Criteria: ACMG Guidelines, 2015. Collection method: clinical testing. Allele origin: germline. Affected: yes.
Comment: PM2, PP3, PP4

NM_020829.4(RIC1):c.2333C>T (p.Pro778Leu)

Genes: RIC1 (RIC1 homolog, RAB6A GEF complex partner 1; plus strand), LOC126860568 (CDK7 strongly-dependent group 2 enhancer GRCh37_chr9:5762408-5763607; plus strand). Cytogenetic location: 9p24.1.
Variant type: single nucleotide variant.
Coding change: c.2333C>T on transcript NM_020829.4 (MANE Select); coding-DNA position 2333, C replaced by T.
Protein change: p.Pro778Leu; replaces proline 778 with leucine.
Molecular consequence: missense variant.
Genome position (GRCh38, 1-based): chr9:5,763,360, C>T. VCF-style: chr9-5763360-C-T. GRCh37 (hg19) VCF-style: chr9-5763360-C-T.
Other names: c.2333C>T, p.Pro778Leu (NM_001135920.4); c.2222C>T, p.Pro741Leu (NM_001206557.2); short protein forms P741L, P778L.
Identifiers: ClinVar variation 1708158 (VCV001708158.1), dbSNP rs1826465235, ClinGen allele CA372847856.